The following is an entry in ClinVar:

NM_001943.5(DSG2):c.2572G>T (p.Ala858Ser)

Genes: DSG2 (desmoglein 2; plus strand), DSG2-AS1 (DSG2 antisense RNA 1; minus strand). Cytogenetic location: 18q12.1.
Variant type: single nucleotide variant.
Coding change: c.2572G>T on transcript NM_001943.5 (MANE Select); coding-DNA position 2572, G replaced by T.
Protein change: p.Ala858Ser; replaces alanine 858 with serine.
Molecular consequence: missense variant.
Genome position (GRCh38, 1-based): chr18:31,545,958, G>T. VCF-style: chr18-31545958-G-T. GRCh37 (hg19) VCF-style: chr18-29125921-G-T.
Other names: short protein forms A858S.
Identifiers: ClinVar variation 1054492 (VCV001054492.9), dbSNP rs748800693, ClinGen allele CA297702052.

ClinVar aggregate classification (germline): Uncertain significance (1 of 4 stars; one submission).

Conditions:
Arrhythmogenic right ventricular dysplasia 10. Also called: Arrhythmogenic right ventricular dysplasia/cardiomyopathy, type 10; Arrhythmogenic Right Ventricular Dysplasia/Cardiomyopathy10; ARRHYTHMOGENIC RIGHT VENTRICULAR DYSPLASIA, FAMILIAL, 10. Identifiers: MedGen C1857777, MONDO:0012434, OMIM 610193.

Allele frequency attached by ClinVar (database versions not stated): TOPMed 0.00001.

Submission:

Labcorp Genetics (formerly Invitae), Labcorp
Classification: Uncertain significance for Arrhythmogenic right ventricular dysplasia 10. Last evaluated: 2020-06-12. Review status: criteria provided, single submitter. Criteria: Invitae Variant Classification Sherloc (09022015). Collection method: clinical testing. Allele origin: germline.
Comment: This variant has not been reported in the literature in individuals with DSG2-related conditions. In summary, the available evidence is currently insufficient to determine the role of this variant in disease. Therefore, it has been classified as a Variant of Uncertain Significance. Algorithms developed to predict the effect of missense changes on protein structure and function (SIFT, PolyPhen-2, Align-GVGD) all suggest that this variant is likely to be tolerated, but these predictions have not been confirmed by published functional studies and their clinical significance is uncertain. This sequence change replaces alanine with serine at codon 858 of the DSG2 protein (p.Ala858Ser). The alanine residue is weakly conserved and there is a moderate physicochemical difference between alanine and serine. This variant is not present in population databases (ExAC no frequency).